The following is an entry in ClinVar:

NM_002476.2(MYL4):c.277G>A (p.Glu93Lys)

Gene: MYL4 (myosin light chain 4; plus strand). Cytogenetic location: 17q21.32.
Variant type: single nucleotide variant.
Coding change: c.277G>A on transcript NM_002476.2 (MANE Select); coding-DNA position 277, G replaced by A.
Protein change: p.Glu93Lys; replaces glutamic acid 93 with lysine.
Molecular consequence: missense variant.
Genome position (GRCh38, 1-based): chr17:47,220,017, G>A. VCF-style: chr17-47220017-G-A. GRCh37 (hg19) VCF-style: chr17-45297383-G-A.
Other names: c.277G>A, p.Glu93Lys (NM_001002841.2); short protein forms E93K.
Identifiers: ClinVar variation 476201 (VCV000476201.7), dbSNP rs369894969, ClinGen allele CA8622695.

ClinVar aggregate classification (germline): Uncertain significance. Review status: criteria provided, multiple submitters, no conflicts (2 of 4 stars). 2 submissions from 2 submitters: Uncertain significance (2). Last evaluated 2025-11-24.

Conditions:
Atrial fibrillation, familial, 18 (ATFB18). Identifiers: MedGen C4310636, MONDO:0015001, OMIM 617280.

Allele frequency attached by ClinVar (database versions not stated): gnomAD exomes 0.00001 and 0.00002; ExAC 0.00002; gnomAD 0.00005 and 0.00006; TOPMed 0.00005; ESP Exome Variant Server 0.00008.

Submissions (2):

Labcorp Genetics (formerly Invitae), Labcorp
Classification: Uncertain significance for Atrial fibrillation, familial, 18. Last evaluated: 2025-11-24. Review status: criteria provided, single submitter. Criteria: Invitae Variant Classification Sherloc (09022015). Collection method: clinical testing. Allele origin: germline.
Comment: This sequence change replaces glutamic acid, which is acidic and polar, with lysine, which is basic and polar, at codon 93 of the MYL4 protein (p.Glu93Lys). This variant is present in population databases (rs369894969, gnomAD 0.009%). This variant has not been reported in the literature in individuals affected with MYL4-related conditions. ClinVar contains an entry for this variant (Variation ID: 476201). An algorithm developed to predict the effect of missense changes on protein structure and function (PolyPhen-2) suggests that this variant is likely to be disruptive. In summary, the available evidence is currently insufficient to determine the role of this variant in disease. Therefore, it has been classified as a Variant of Uncertain Significance.

Ambry Genetics
Classification: Uncertain significance. Last evaluated: 2022-11-21. Review status: criteria provided, single submitter. Criteria: Ambry Variant Classification Scheme 2023. Collection method: clinical testing. Allele origin: germline.